The following is an entry in ClinVar:

NM_001556.3(IKBKB):c.878C>T (p.Thr293Met)

Gene: IKBKB (inhibitor of nuclear factor kappa B kinase subunit beta; plus strand). Cytogenetic location: 8p11.21.
Variant type: single nucleotide variant.
Coding change: c.878C>T on transcript NM_001556.3 (MANE Select); coding-DNA position 878, C replaced by T.
Protein change: p.Thr293Met; replaces threonine 293 with methionine.
Molecular consequence: missense variant. On other transcripts: non-coding transcript variant (3).
Genome position (GRCh38, 1-based): chr8:42,316,287, C>T. VCF-style: chr8-42316287-C-T. GRCh37 (hg19) VCF-style: chr8-42173805-C-T.
Other names: c.686C>T, p.Thr229Met (NM_001190720.3); c.701C>T, p.Thr234Met (NM_001242778.2); short protein forms T234M, T293M, T229M.
Identifiers: ClinVar variation 841569 (VCV000841569.7), dbSNP rs200322650, ClinGen allele CA4731829.
Genomic context (GRCh38, chr8:42,316,287, plus strand): 5'-TGGAGAAGTGGCTGCAACTGATGCTGATGTGGCACCCCCGACAGAGGGGCACGGATCCCA[C>T]GTATGGGCCCAATGGCTGCTTCAAGGCCCTGGATGACATCTTAAACTTAAAGGTGAGTGT-3'
Protein context (NP_001547.1, residues 283-303): WHPRQRGTDP[Thr293Met]YGPNGCFKAL

ClinVar aggregate classification (germline): Uncertain significance. Review status: criteria provided, multiple submitters, no conflicts (2 of 4 stars). 2 submissions from 2 submitters: Uncertain significance (2). Last evaluated 2025-10-22.

Conditions:
Inborn genetic diseases. Identifiers: MedGen C0950123, MeSH D030342.
Severe combined immunodeficiency due to IKK2 deficiency. Also called: Immunodeficiency 15; IMMUNODEFICIENCY 15B. Identifiers: Orphanet 397787, MedGen C4747743, MONDO:0014267, OMIM 615592.

Allele frequency attached by ClinVar (database versions not stated): ExAC 0.00001; gnomAD exomes 0.00002 and 0.00003; gnomAD 0.00004.
gnomAD v4.1: 52 of 1,614,038 alleles (0.0032%); highest among the groups gnomAD compares: African/African-American, 0.004%; no homozygotes.

Submissions (2):

Labcorp Genetics (formerly Invitae), Labcorp
Classification: Uncertain significance for Severe combined immunodeficiency due to IKK2 deficiency. Last evaluated: 2025-10-22. Review status: criteria provided, single submitter. Criteria: Invitae Variant Classification Sherloc (09022015). Collection method: clinical testing. Allele origin: germline.
Comment: This sequence change replaces threonine, which is neutral and polar, with methionine, which is neutral and non-polar, at codon 293 of the IKBKB protein (p.Thr293Met). The frequency data for this variant in the population databases is considered unreliable, as metrics indicate poor data quality at this position in the gnomAD database. This variant has not been reported in the literature in individuals affected with IKBKB-related conditions. ClinVar contains an entry for this variant (Variation ID: 841569). Invitae Evidence Modeling of protein sequence and biophysical properties (such as structural, functional, and spatial information, amino acid conservation, physicochemical variation, residue mobility, and thermodynamic stability) indicates that this missense variant is not expected to disrupt IKBKB protein function with a negative predictive value of 95%. In summary, the available evidence is currently insufficient to determine the role of this variant in disease. Therefore, it has been classified as a Variant of Uncertain Significance.

Ambry Genetics
Classification: Uncertain significance for Inborn genetic diseases. Last evaluated: 2024-01-04. Review status: criteria provided, single submitter. Criteria: Ambry Variant Classification Scheme 2023. Collection method: clinical testing. Allele origin: germline.